The following is an entry in ClinVar:

ClinVar aggregate classification (germline): Pathogenic/Likely pathogenic. Review status: criteria provided, multiple submitters, no conflicts (2 of 4 stars). 8 submissions from 8 submitters: Pathogenic (7); Likely pathogenic (1). Last evaluated 2025-07-31.

Conditions:
Congenital microcephaly - severe encephalopathy - progressive cerebral atrophy syndrome. Also called: Asparagine synthetase deficiency; ASNS DEFICIENCY. Identifiers: Orphanet 391376, MedGen C3809971, MONDO:0014258, OMIM 615574.

Allele frequency attached by ClinVar (database versions not stated): TOPMed 0.00001; gnomAD exomes 0.00003.

Submissions (8):

Natera, Inc.
Classification: Likely pathogenic for Asparagine synthetase deficiency. Last evaluated: 2025-07-31. Review status: criteria provided, single submitter. Criteria: Natera Variant Classification Schema (03/2026). Collection method: clinical testing. Allele origin: germline.
Comment: The c.478delG variant in ASNS is a frameshift variant predicted to shift the reading frame beginning at codon 160 and leads to a stop codon 8 codons downstream. This variant is expected to result in nonsense mediated decay, truncation, or a dysfunctional protein product. This variant is rare in the general population with a frequency below the threshold expected for the associated phenotype(s). Given the available evidence, this variant is classified as Likely Pathogenic.

Labcorp Genetics (formerly Invitae), Labcorp
Classification: Pathogenic. Last evaluated: 2025-01-28. Review status: criteria provided, single submitter. Criteria: Invitae Variant Classification Sherloc (09022015). Collection method: clinical testing. Allele origin: germline.
Comment: This sequence change creates a premature translational stop signal (p.Glu160Lysfs*8) in the ASNS gene. It is expected to result in an absent or disrupted protein product. Loss-of-function variants in ASNS are known to be pathogenic (PMID: 27422383, 30057589). This variant is not present in population databases (gnomAD no frequency). This variant has not been reported in the literature in individuals affected with ASNS-related conditions. ClinVar contains an entry for this variant (Variation ID: 210339). For these reasons, this variant has been classified as Pathogenic.

Myriad Genetics, Inc.
Classification: Pathogenic for Congenital microcephaly - severe encephalopathy - progressive cerebral atrophy syndrome. Last evaluated: 2024-05-06. Review status: criteria provided, single submitter. Criteria: Myriad Autosomal Dominant, Autosomal Recessive and X-Linked Classification Criteria (2023). Collection method: clinical testing. Allele origin: unknown.
Comment: NM_001673.4(ASNS):c.478delG(E160Kfs*8) is expected to be pathogenic in the context of asparagine synthetase deficiency. This variant is predicted to lead to an abnormal or absent protein product due to the creation of a premature termination codon in ASNS, a gene where loss-of-function variants are known to be pathogenic. Please note: this variant was assessed in the context of healthy population screening.

Women's Health and Genetics/Laboratory Corporation of America, LabCorp
Classification: Pathogenic for Congenital microcephaly - severe encephalopathy - progressive cerebral atrophy syndrome. Last evaluated: 2023-04-13. Review status: criteria provided, single submitter. Criteria: LabCorp Variant Classification Summary - May 2015. Collection method: clinical testing. Allele origin: germline.
Comment: Variant summary: ASNS c.478delG (p.Glu160LysfsX8) results in a premature termination codon, predicted to cause a truncation of the encoded protein or absence of the protein due to nonsense mediated decay, which are commonly known mechanisms for disease. The variant was absent in 250206 control chromosomes. c.478delG has been reported in the literature in at least one individual affected with Asparagine Synthetase Deficiency. These data do not allow any conclusion about variant significance. To our knowledge, no experimental evidence demonstrating an impact on protein function has been reported. Five clinical diagnostic laboratories have submitted clinical-significance assessments for this variant to ClinVar after 2014 without evidence for independent evaluation. All laboratories classified the variant as pathogenic. Based on the evidence outlined above, the variant was classified as pathogenic.

Revvity Omics, Revvity
Classification: Pathogenic for Congenital microcephaly - severe encephalopathy - progressive cerebral atrophy syndrome. Last evaluated: 2020-03-23. Review status: criteria provided, single submitter. Criteria: ACMG Guidelines, 2015. Collection method: clinical testing. Allele origin: germline.

GeneDx
Classification: Pathogenic. Last evaluated: 2018-11-27. Review status: criteria provided, single submitter. Criteria: GeneDx Variant Classification (06012015). Collection method: clinical testing. Allele origin: germline. Affected: yes.
Comment: The c.478delG variant in the ASNS gene has not been reported previously as a pathogenic variant nor as a benign variant, to our knowledge. The c.478delG variant causes a frameshift starting with codon Glutamic Acid 160, changes this amino acid to a Lysine residue, and creates a premature Stop codon at position 8 of the new reading frame, denoted p.Glu160LysfsX8. This variant is predicted to cause loss of normal protein function either through protein truncation or nonsense-mediated mRNA decay. The c.478delG variant is not observed in large population cohorts (Lek et al., 2016). We interpret c.478delG as a pathogenic variant.

Center for Pediatric Genomic Medicine, Children's Mercy Hospital and Clinics
Classification: Pathogenic. Last evaluated: 2016-12-13. Review status: criteria provided, single submitter. Criteria: ACMG Guidelines, 2015. Collection method: clinical testing. Allele origin: germline.

Genetic Services Laboratory, University of Chicago
Classification: Pathogenic for Asparagine synthetase deficiency. Last evaluated: 2015-03-25. Review status: criteria provided, single submitter. Criteria: ACMG Guidelines, 2015. Collection method: clinical testing. Allele origin: germline. Affected: yes.

Literature cited by the submitters: PubMed 27422383 (cited by Labcorp Genetics (formerly Invitae), Labcorp); PubMed 30057589 (cited by Labcorp Genetics (formerly Invitae), Labcorp); PubMed 35469797 (cited by Women's Health and Genetics/Laboratory Corporation of America, LabCorp).

NM_001673.5(ASNS):c.478del (p.Glu160fs)

Genes: ASNS (asparagine synthetase (glutamine-hydrolyzing); minus strand), CZ1P-ASNS (CZ1P-ASNS readthrough; minus strand). Cytogenetic location: 7q21.3.
Variant type: Deletion.
Coding change: c.478del on transcript NM_001673.5 (MANE Select); coding-DNA position 478, one base deleted (G; older notation c.478delG).
Protein change: p.Glu160fs; shifts the reading frame from glutamic acid 160.
Molecular consequence: frameshift variant. On other transcripts: non-coding transcript variant (1).
Genome position (GRCh38, 1-based): chr7:97,864,268, C deleted on the plus strand (G on the coding strand, the reverse complement: ASNS is on the minus strand). VCF-style (leftmost placement, unchanged base first): chr7-97864267-TC-T. GRCh37 (hg19) VCF-style: chr7-97493579-TC-T.
Other names: c.478delG (NM_133436.3); c.478del, p.Glu160fs (NM_133436.3, NM_001352496.2, NM_183356.4); c.415del, p.Glu139fs (NM_001178075.2); c.229del, p.Glu77fs (NM_001178076.2, NM_001178077.1); short protein forms E139fs, E160fs, E77fs.
Identifiers: ClinVar variation 210339 (VCV000210339.20), dbSNP rs797045307, ClinGen allele CA206838.